The following is an entry in ClinVar:

NM_000365.6(TPI1):c.103C>G (p.Pro35Ala)

Gene: TPI1 (triosephosphate isomerase 1; plus strand). Cytogenetic location: 12p13.31.
Variant type: single nucleotide variant.
Coding change: c.103C>G on transcript NM_000365.6 (MANE Select); coding-DNA position 103, C replaced by G.
Protein change: p.Pro35Ala; replaces proline 35 with alanine.
Molecular consequence: missense variant.
Genome position (GRCh38, 1-based): chr12:6,867,669, C>G. VCF-style: chr12-6867669-C-G. GRCh37 (hg19) VCF-style: chr12-6976833-C-G.
Other names: c.214C>G, p.Pro72Ala (NM_001159287.1); short protein forms P72A, P35A.
Identifiers: ClinVar variation 2187406 (VCV002187406.4), dbSNP rs1555131572, ClinGen allele CA383709270.

ClinVar aggregate classification (germline): Uncertain significance (1 of 4 stars; one submission).

Allele frequency attached by ClinVar (database versions not stated): TOPMed 0.00001.
gnomAD v4.1: 2 of 1,609,136 alleles (0.00012%); highest among the groups gnomAD compares: Admixed American, 0.0033%; no homozygotes.

Submission:

Labcorp Genetics (formerly Invitae), Labcorp
Classification: Uncertain significance. Last evaluated: 2022-07-06. Review status: criteria provided, single submitter. Criteria: Invitae Variant Classification Sherloc (09022015). Collection method: clinical testing. Allele origin: germline.
Comment: This sequence change replaces proline, which is neutral and non-polar, with alanine, which is neutral and non-polar, at codon 35 of the TPI1 protein (p.Pro35Ala). This variant is present in population databases (no rsID available, gnomAD 0.006%). This variant has not been reported in the literature in individuals affected with TPI1-related conditions. Algorithms developed to predict the effect of missense changes on protein structure and function (SIFT, PolyPhen-2, Align-GVGD) all suggest that this variant is likely to be tolerated. In summary, the available evidence is currently insufficient to determine the role of this variant in disease. Therefore, it has been classified as a Variant of Uncertain Significance.